The following is an entry in ClinVar:

NM_000179.3(MSH6):c.2646T>C (p.Phe882=)

Gene: MSH6 (mutS homolog 6; plus strand). Cytogenetic location: 2p16.3.
Variant type: single nucleotide variant.
Coding change: c.2646T>C on transcript NM_000179.3 (MANE Select); coding-DNA position 2646, T replaced by C.
Protein change: p.Phe882=; no amino-acid change (phenylalanine 882 retained).
Molecular consequence: synonymous variant.
Genome position (GRCh38, 1-based): chr2:47,800,629, T>C. VCF-style: chr2-47800629-T-C. GRCh37 (hg19) VCF-style: chr2-48027768-T-C.
Other names: c.2256T>C, p.Phe752= (NM_001281492.2); c.1740T>C, p.Phe580= (NM_001281493.2, NM_001281494.2).
Identifiers: ClinVar variation 495709 (VCV000495709.19), dbSNP rs1190330045, ClinGen allele CA426121936.
Genomic context (GRCh38, chr2:47,800,629, plus strand): 5'-GGAAGGATTCAAAGTAATGTGTAAAATTATAGGGATCATGGAAGAAGTTGCTGATGGTTT[T>C]AAGTCTAAAATCCTTAAGCAGGTCATCTCTCTGCAGACAAAAAATCCTGAAGGTCGTTTT-3'
Protein context (NP_000170.1, residues 872-892): IGIMEEVADG[Phe882=]KSKILKQVIS

ClinVar aggregate classification (germline): Benign/Likely benign. Review status: criteria provided, multiple submitters, no conflicts (2 of 4 stars). 6 submissions from 6 submitters: Benign (1); Likely benign (5). Last evaluated 2025-09-27.

Conditions:
Lynch syndrome. Identifiers: Orphanet 144, MedGen C4552100, MONDO:0005835. Disease mechanism: loss of function.
Hereditary nonpolyposis colorectal neoplasms. Identifiers: MedGen C0009405, MeSH D003123.
Hereditary cancer-predisposing syndrome. Also called: Tumor predisposition; Neoplastic Syndromes, Hereditary; Hereditary neoplastic syndrome; Hereditary Cancer Syndrome. Identifiers: Orphanet 140162, MedGen C0027672, MeSH D009386, MONDO:0015356.
Lynch syndrome 5 (LYNCH5). Also called: Colorectal cancer, hereditary nonpolyposis, type 5; Hereditary non-polyposis colorectal cancer, type 5. Identifiers: Orphanet 144, MedGen C1833477, MONDO:0013710, OMIM 614350. Disease mechanism: loss of function.

Allele frequency attached by ClinVar (database versions not stated): gnomAD exomes below 0.00001.
gnomAD v4.1: 2 of 1,614,214 alleles (0.00012%); highest among the groups gnomAD compares: Middle Eastern, 0.033%; no homozygotes.

Submissions (6):

Labcorp Genetics (formerly Invitae), Labcorp
Classification: Likely benign for Hereditary nonpolyposis colorectal neoplasms. Last evaluated: 2025-09-27. Review status: criteria provided, single submitter. Criteria: Invitae Variant Classification Sherloc (09022015). Collection method: clinical testing. Allele origin: germline.

Myriad Genetics, Inc.
Classification: Benign for Lynch syndrome 5. Last evaluated: 2024-12-31. Review status: criteria provided, single submitter. Criteria: Myriad Autosomal Dominant, Autosomal Recessive and X-Linked Classification Criteria (2023). Collection method: clinical testing. Allele origin: unknown.
Comment: This variant is considered benign. This variant is a silent/synonymous amino acid change and it is not expected to impact splicing.

All of Us Research Program, National Institutes of Health
Classification: Likely benign for Lynch syndrome. Last evaluated: 2024-03-14. Review status: criteria provided, single submitter. Criteria: ACMG Guidelines, 2015. Collection method: clinical testing. Allele origin: germline. Inheritance: Autosomal dominant inheritance. Observed: 1 variant allele, 1 heterozygote.
Comment: This study involves interpretation of variants in research participants for the purpose of population health screening. Participant phenotype was not available at the time of variant classification. Additional details can be found in publication PMID: 35346344, PMCID: PMC8962531

Ambry Genetics
Classification: Likely benign for Hereditary cancer-predisposing syndrome. Last evaluated: 2020-03-10. Review status: criteria provided, single submitter. Criteria: Ambry Variant Classification Scheme 2023. Collection method: clinical testing. Allele origin: germline.

Women's Health and Genetics/Laboratory Corporation of America, LabCorp
Classification: Likely benign. Last evaluated: 2019-08-29. Review status: criteria provided, single submitter. Criteria: LabCorp Variant Classification Summary - May 2015. Collection method: clinical testing. Allele origin: germline.

Color Diagnostics, LLC DBA Color Health
Classification: Likely benign for Hereditary cancer-predisposing syndrome. Last evaluated: 2017-12-24. Review status: criteria provided, single submitter. Criteria: ACMG Guidelines, 2015. Collection method: clinical testing. Allele origin: germline.